The following is an entry in ClinVar:

NM_000540.3(RYR1):c.907G>A (p.Ala303Thr)

Gene: RYR1 (ryanodine receptor 1; plus strand). Cytogenetic location: 19q13.2.
Variant type: single nucleotide variant.
Coding change: c.907G>A on transcript NM_000540.3 (MANE Select); coding-DNA position 907, G replaced by A.
Protein change: p.Ala303Thr; replaces alanine 303 with threonine.
Molecular consequence: missense variant.
Genome position (GRCh38, 1-based): chr19:38,448,461, G>A. VCF-style: chr19-38448461-G-A. GRCh37 (hg19) VCF-style: chr19-38939101-G-A.
Other names: c.907G>A, p.Ala303Thr (NM_001042723.2); short protein forms A303T.
Identifiers: ClinVar variation 847164 (VCV000847164.12), dbSNP rs141764906, ClinGen allele CA073117.

ClinVar aggregate classification (germline): Uncertain significance. Review status: criteria provided, multiple submitters, no conflicts (2 of 4 stars). 5 submissions from 5 submitters: Uncertain significance (5). Last evaluated 2024-11-05.

Conditions:
Congenital myopathy with fiber type disproportion. Also called: Congenital fiber-type disproportion myopathy; Congenital fiber-type disproportion. Identifiers: Orphanet 2020, MedGen C0546264, MONDO:0009711. Inheritance: all.
Central core myopathy (CMYO1A). Also called: CONGENITAL MYOPATHY 1A, AUTOSOMAL DOMINANT, WITH SUSCEPTIBILITY TO MALIGNANT HYPERTHERMIA; Central core disease; Myopathy, central fibrillar. Identifiers: Orphanet 597, MedGen C5830701, MONDO:0007294, OMIM 117000.
King Denborough syndrome (KDS). Identifiers: MedGen C1840365, MONDO:0020485, OMIM 619542.
Malignant hyperthermia, susceptibility to, 1 (MHS1). Also called: Anesthesia related hyperthermia; Malignant hyperpyrexia; Fulminating hyperpyrexia; Pharmacogenic myopathy; RYR1-Related Malignant Hyperthermia Susceptibility; Malignant hyperthermia suceptibility 1. Identifiers: Orphanet 423, MedGen C2930980, MONDO:0007783, OMIM 145600.
Congenital multicore myopathy with external ophthalmoplegia (CMYO1B). Also called: MULTICORE MYOPATHY; Minicore myopathy with external ophthalmoplegia; MULTIMINICORE DISEASE WITH EXTERNAL OPHTHALMOPLEGIA; Congenital myopathy 1B, autosomal recessive; Minicore myopathy. Identifiers: Orphanet 598, Orphanet 98905, MedGen C1850674, MONDO:0009712, OMIM 255320, HP:0003789.
RYR1-related disorder. Also called: RYR1-related condition; RYR1-related disorders. Identifiers: MedGen CN239331.

Allele frequency attached by ClinVar (database versions not stated): ESP Exome Variant Server 0.00008; gnomAD exomes 0.00001 and 0.00002; TOPMed 0.00002; ExAC 0.00005.

Submissions (5):

PreventionGenetics, part of Exact Sciences
Classification: Uncertain significance for RYR1-related condition. Last evaluated: 2024-11-05. Review status: criteria provided, single submitter. Criteria: ACMG Guidelines, 2015. Collection method: clinical testing. Allele origin: germline.
Comment: The RYR1 c.907G>A variant is predicted to result in the amino acid substitution p.Ala303Thr. To our knowledge, this variant has not been reported in the literature. This variant is reported in 0.012% of alleles in individuals of African descent in gnomAD. At this time, the clinical significance of this variant is uncertain due to the absence of conclusive functional and genetic evidence.

GeneDx
Classification: Uncertain significance. Last evaluated: 2024-07-30. Review status: criteria provided, single submitter. Criteria: GeneDx Variant Classification Process June 2021. Collection method: clinical testing. Allele origin: germline. Affected: yes.
Comment: Not observed at significant frequency in large population cohorts (gnomAD); In silico analysis indicates that this missense variant does not alter protein structure/function; Has not been previously published as pathogenic or benign to our knowledge; This variant is associated with the following publications: (PMID: 33767344)

Color Diagnostics, LLC DBA Color Health
Classification: Uncertain significance for Malignant hyperthermia, susceptibility to, 1. Last evaluated: 2024-03-06. Review status: criteria provided, single submitter. Criteria: ACMG Guidelines, 2015. Collection method: clinical testing. Allele origin: germline.
Comment: This missense variant replaces alanine with threonine at codon 303 of the RYR1 protein. Computational prediction suggests that this variant may not impact protein structure and function (internally defined REVEL score threshold <= 0.5, PMID: 27666373). To our knowledge, functional studies have not been reported for this variant. This variant has not been reported in individuals affected with RYR1-related disorders in the literature. This variant has been identified in 6/251202 chromosomes in the general population by the Genome Aggregation Database (gnomAD). The available evidence is insufficient to determine the role of this variant in disease conclusively. Therefore, this variant is classified as a Variant of Uncertain Significance.

Labcorp Genetics (formerly Invitae), Labcorp
Classification: Uncertain significance for RYR1-related disorder. Last evaluated: 2022-05-18. Review status: criteria provided, single submitter. Criteria: Invitae Variant Classification Sherloc (09022015). Collection method: clinical testing. Allele origin: germline.
Comment: This sequence change replaces alanine, which is neutral and non-polar, with threonine, which is neutral and polar, at codon 303 of the RYR1 protein (p.Ala303Thr). This variant is present in population databases (rs141764906, gnomAD 0.01%). This variant has not been reported in the literature in individuals affected with RYR1-related conditions. ClinVar contains an entry for this variant (Variation ID: 847164). Advanced modeling of protein sequence and biophysical properties (such as structural, functional, and spatial information, amino acid conservation, physicochemical variation, residue mobility, and thermodynamic stability) performed at Invitae indicates that this missense variant is not expected to disrupt RYR1 protein function. In summary, the available evidence is currently insufficient to determine the role of this variant in disease. Therefore, it has been classified as a Variant of Uncertain Significance.

Fulgent Genetics
Classification: Uncertain significance for Central core myopathy; Malignant hyperthermia, susceptibility to, 1; Congenital myopathy 4A, autosomal dominant; Congenital multicore myopathy with external ophthalmoplegia; King Denborough syndrome. Last evaluated: 2021-11-05. Review status: criteria provided, single submitter. Criteria: ACMG Guidelines, 2015. Collection method: clinical testing. Allele origin: unknown.